The following is an entry in ClinVar:

ClinVar aggregate classification (germline): Likely benign (1 of 4 stars; one submission).

gnomAD v4.1: 28 of 1,613,788 alleles (0.0017%); highest among the groups gnomAD compares: East Asian, 0.016%; no homozygotes.

Submission:

CeGaT Center for Human Genetics Tuebingen
Classification: Likely benign. Last evaluated: 2026-07-01. Review status: criteria provided, single submitter. Criteria: CeGaT Center For Human Genetics Tuebingen Variant Classification Criteria Version 2. Collection method: clinical testing. Allele origin: germline. Affected: yes. Observed: 1 variant allele.
Comment: MAN2B2: BP4, BP7

NM_015274.3(MAN2B2):c.261C>T (p.Val87=)

Gene: MAN2B2 (mannosidase alpha class 2B member 2; plus strand). Cytogenetic location: 4p16.1.
Variant type: single nucleotide variant.
Coding change: c.261C>T on transcript NM_015274.3 (MANE Select); coding-DNA position 261, C replaced by T.
Protein change: p.Val87=; no amino-acid change (valine 87 retained).
Molecular consequence: synonymous variant.
Genome position (GRCh38, 1-based): chr4:6,576,700, C>T. VCF-style: chr4-6576700-C-T. GRCh37 (hg19) VCF-style: chr4-6578427-C-T.
Other names: c.261C>T, p.Val87= (NM_001292038.2).
Identifiers: ClinVar variation 5038767 (VCV005038767.1).